The following is an entry in ClinVar:

ClinVar aggregate classification (germline): Uncertain significance. Review status: criteria provided, multiple submitters, no conflicts (2 of 4 stars). 2 submissions from 2 submitters: Uncertain significance (2). Last evaluated 2025-04-29.

Conditions:
Inborn genetic diseases. Identifiers: MedGen C0950123, MeSH D030342.

gnomAD v4.1: 43 of 1,613,850 alleles (0.0027%); highest among the groups gnomAD compares: African/African-American, 0.051%; no homozygotes.

Submissions (2):

Mayo Clinic Laboratories, Mayo Clinic
Classification: Uncertain significance. Last evaluated: 2025-04-29. Review status: criteria provided, single submitter. Criteria: ACMG Guidelines, 2015. Collection method: clinical testing. Allele origin: germline. Observed: 1 variant allele.
Comment: BP4_moderate

Ambry Genetics
Classification: Uncertain significance for Inborn genetic diseases. Last evaluated: 2024-11-12. Review status: criteria provided, single submitter. Criteria: Ambry Variant Classification Scheme 2023. Collection method: clinical testing. Allele origin: germline.

NM_001061.7(TBXAS1):c.67G>T (p.Ala23Ser)

Genes: TBXAS1 (thromboxane A synthase 1; plus strand), LOC126860199 (CDK7 strongly-dependent group 2 enhancer GRCh37_chr7:139528736-139529935; plus strand). Cytogenetic location: 7q34.
Variant type: single nucleotide variant.
Coding change: c.67G>T on transcript NM_001061.7 (MANE Select); coding-DNA position 67, G replaced by T.
Protein change: p.Ala23Ser; replaces alanine 23 with serine.
Molecular consequence: missense variant. On other transcripts: 5 prime UTR variant (2), intron variant (1).
Genome position (GRCh38, 1-based): chr7:139,829,457, G>T. VCF-style: chr7-139829457-G-T. GRCh37 (hg19) VCF-style: chr7-139529256-G-T.
Other names: p.Ala23Ser; c.67G>T (NM_001061.6); c.67G>T, p.Ala23Ser (NM_001130966.5, NM_001166253.4, NM_001366538.2 and 1 more transcripts); c.-20G>T (NM_001314028.4, NM_001366537.3); c.-113+42031G>T (NM_001166254.4); short protein forms A23S, A24S.
Identifiers: ClinVar variation 3453959 (VCV003453959.2).